The following is an entry in ClinVar:

ClinVar aggregate classification (germline): Likely benign. Review status: criteria provided, single submitter (1 of 4 stars). 2 submissions from 2 submitters: Likely benign (1). 1 of the submissions does not count toward it. Last evaluated 2025-09-03.

Conditions:
TMEM67-related disorder. Also called: TMEM67-related disorders; TMEM67-related condition. Identifiers: MedGen CN239423.
Joubert syndrome. Also called: JOUBERT-BOLTSHAUSER SYNDROME; Familial aplasia of the vermis. Identifiers: Orphanet 475, MedGen C5979921, MONDO:0018772.
Meckel-Gruber syndrome. Also called: Dysencephalia splachnocystica; DYSENCEPHALIA SPLANCHNOCYSTICA; GRUBER SYNDROME. Identifiers: Orphanet 564, MedGen C0265215, MONDO:0018921.

Allele frequency attached by ClinVar (database versions not stated): gnomAD exomes below 0.00001; ExAC 0.00002; gnomAD 0.00004; TOPMed 0.00009; ESP Exome Variant Server 0.00015.
gnomAD v4.1: 9 of 1,614,068 alleles (0.00056%); highest among the groups gnomAD compares: African/African-American, 0.008%; no homozygotes.

Submissions (2):

Labcorp Genetics (formerly Invitae), Labcorp
Classification: Likely benign for Joubert syndrome; Meckel-Gruber syndrome. Last evaluated: 2025-09-03. Review status: criteria provided, single submitter. Criteria: Invitae Variant Classification Sherloc (09022015). Collection method: clinical testing. Allele origin: germline.

PreventionGenetics, part of Exact Sciences
Classification: Likely benign for TMEM67-related condition. Last evaluated: 2019-03-29. Review status: no assertion criteria provided. Collection method: clinical testing. Allele origin: germline. Not counted in ClinVar's aggregate classification.
Comment: This variant is classified as likely benign based on ACMG/AMP sequence variant interpretation guidelines (Richards et al. 2015 PMID: 25741868, with internal and published modifications).

NM_153704.6(TMEM67):c.174C>T (p.Ser58=)

Gene: TMEM67 (transmembrane protein 67; plus strand). Cytogenetic location: 8q22.1.
Variant type: single nucleotide variant.
Coding change: c.174C>T on transcript NM_153704.6 (MANE Select); coding-DNA position 174, C replaced by T.
Protein change: p.Ser58=; no amino-acid change (serine 58 retained).
Molecular consequence: synonymous variant. On other transcripts: 5 prime UTR variant (1), non-coding transcript variant (1).
Genome position (GRCh38, 1-based): chr8:93,755,088, C>T. VCF-style: chr8-93755088-C-T. GRCh37 (hg19) VCF-style: chr8-94767316-C-T.
Other names: c.-111C>T (NM_001142301.1).
Identifiers: ClinVar variation 1968888 (VCV001968888.7), dbSNP rs151047825, ClinGen allele CA4807527.